The following is an entry in ClinVar:

NM_000540.3(RYR1):c.13062G>A (p.Ala4354=)

Gene: RYR1 (ryanodine receptor 1; plus strand). Cytogenetic location: 19q13.2.
Variant type: single nucleotide variant.
Coding change: c.13062G>A on transcript NM_000540.3 (MANE Select); coding-DNA position 13062, G replaced by A.
Protein change: p.Ala4354=; no amino-acid change (alanine 4354 retained).
Molecular consequence: synonymous variant.
Genome position (GRCh38, 1-based): chr19:38,565,396, G>A. VCF-style: chr19-38565396-G-A. GRCh37 (hg19) VCF-style: chr19-39056036-G-A.
Other names: c.13047G>A, p.Ala4349= (NM_001042723.2).
Identifiers: ClinVar variation 513715 (VCV000513715.35), dbSNP rs1285864293, ClinGen allele CA507355860.

ClinVar aggregate classification (germline): Likely benign. Review status: criteria provided, multiple submitters, no conflicts (2 of 4 stars). 4 submissions from 4 submitters: Likely benign (4). Last evaluated 2025-07-29.

Conditions:
RYR1-related disorder. Also called: RYR1-related condition; RYR1-related disorders. Identifiers: MedGen CN239331.

Allele frequency attached by ClinVar (database versions not stated): gnomAD 0.00001; TOPMed 0.00001.
gnomAD v4.1: 19 of 1,428,886 alleles (0.0013%); highest among the groups gnomAD compares: Non-Finnish European, 0.0016%; no homozygotes.

Submissions (4):

Labcorp Genetics (formerly Invitae), Labcorp
Classification: Likely benign for RYR1-related disorder. Last evaluated: 2025-07-29. Review status: criteria provided, single submitter. Criteria: Invitae Variant Classification Sherloc (09022015). Collection method: clinical testing. Allele origin: germline.

Women's Health and Genetics/Laboratory Corporation of America, LabCorp
Classification: Likely benign. Last evaluated: 2025-07-15. Review status: criteria provided, single submitter. Criteria: LabCorp Variant Classification Summary - May 2015. Collection method: clinical testing. Allele origin: germline.

CeGaT Center for Human Genetics Tuebingen
Classification: Likely benign. Last evaluated: 2023-07-01. Review status: criteria provided, single submitter. Criteria: CeGaT Center For Human Genetics Tuebingen Variant Classification Criteria Version 2. Collection method: clinical testing. Allele origin: germline. Affected: yes. Observed: 1 variant allele.
Comment: RYR1: BP4, BP7

GeneDx
Classification: Likely benign. Last evaluated: 2017-11-28. Review status: criteria provided, single submitter. Criteria: GeneDx Variant Classification (06012015). Collection method: clinical testing. Allele origin: germline. Affected: yes.
Comment: This variant is considered likely benign or benign based on one or more of the following criteria: it is a conservative change, it occurs at a poorly conserved position in the protein, it is predicted to be benign by multiple in silico algorithms, and/or has population frequency not consistent with disease.